The following is an entry in ClinVar:

NM_024105.4(ALG12):c.-19G>A

Gene: ALG12 (ALG12 alpha-1,6-mannosyltransferase; minus strand). Cytogenetic location: 22q13.33.
Variant type: single nucleotide variant.
Coding change: c.-19G>A on transcript NM_024105.4 (MANE Select); 19 bases upstream of the start codon, G replaced by A.
Molecular consequence: 5 prime UTR variant.
Genome position (GRCh38, 1-based): chr22:49,913,784, C>T on the plus strand (G>A on the coding strand, the complement: ALG12 is on the minus strand). VCF-style: chr22-49913784-C-T. GRCh37 (hg19) VCF-style: chr22-50307432-C-T.
Identifiers: ClinVar variation 4684500 (VCV004684500.1).
Genomic context (GRCh38, chr22:49,913,784, plus strand): 5'-CAGCAGCAGGGGCCGCCTGCCTGATGACCCCTTTCCAGCCATTCCAGGCTTTCAGCTTCA[C>T]GTACCTTCACAGGCCAACAGTGCGAGACACCAGCCGTTAGCACTGCCACTCCACGCATGC-3'

ClinVar aggregate classification (germline): Likely benign (1 of 4 stars; one submission).

Submission:

Mayo Clinic Laboratories, Mayo Clinic
Classification: Likely benign. Last evaluated: 2024-11-18. Review status: criteria provided, single submitter. Criteria: ACMG Guidelines, 2015. Collection method: clinical testing. Allele origin: germline. Observed: 1 variant allele.
Comment: BP4, BP7